The following is an entry in ClinVar:

NM_000245.4(MET):c.3855T>C (p.Pro1285=)

Gene: MET (MET proto-oncogene, receptor tyrosine kinase; plus strand). Cytogenetic location: 7q31.2.
Variant type: single nucleotide variant.
Coding change: c.3855T>C on transcript NM_000245.4 (MANE Select); coding-DNA position 3855, T replaced by C.
Protein change: p.Pro1285=; no amino-acid change (proline 1285 retained).
Molecular consequence: synonymous variant.
Genome position (GRCh38, 1-based): chr7:116,795,711, T>C. VCF-style: chr7-116795711-T-C. GRCh37 (hg19) VCF-style: chr7-116435765-T-C.
Other names: c.3909T>C, p.Pro1303= (NM_001127500.3); c.2565T>C, p.Pro855= (NM_001324402.2); c.3909T>C (NM_001127500.1).
Identifiers: ClinVar variation 1615312 (VCV001615312.10), dbSNP rs1584977903, ClinGen allele CA457462285.

ClinVar aggregate classification (germline): Benign/Likely benign. Review status: criteria provided, multiple submitters, no conflicts (2 of 4 stars). 3 submissions from 3 submitters: Benign (1); Likely benign (2). Last evaluated 2024-11-14.

Conditions:
Renal cell carcinoma. Identifiers: Orphanet 217071, MedGen C0007134, MeSH D002292, MONDO:0005086, HP:0005584.
Hereditary cancer-predisposing syndrome. Also called: Tumor predisposition; Hereditary neoplastic syndrome; Neoplastic Syndromes, Hereditary; Hereditary Cancer Syndrome. Identifiers: Orphanet 140162, MedGen C0027672, MeSH D009386, MONDO:0015356.
Papillary renal cell carcinoma type 1 (RCCP1). Also called: Renal adenocarcinoma; Renal cell carcinoma 1; Renal cell carcinoma, somatic; RENAL CELL CARCINOMA, PAPILLARY, 1, SOMATIC. Identifiers: Orphanet 47044, MedGen C1336839, OMIM 605074, HP:0011797.

Submissions (3):

Myriad Genetics, Inc.
Classification: Benign for Papillary renal cell carcinoma type 1. Last evaluated: 2024-11-14. Review status: criteria provided, single submitter. Criteria: Myriad Autosomal Dominant, Autosomal Recessive and X-Linked Classification Criteria (2023). Collection method: clinical testing. Allele origin: unknown.
Comment: This variant is considered benign. This variant is a silent/synonymous amino acid change and it is not expected to impact splicing.

Labcorp Genetics (formerly Invitae), Labcorp
Classification: Likely benign for Renal cell carcinoma. Last evaluated: 2024-03-20. Review status: criteria provided, single submitter. Criteria: Invitae Variant Classification Sherloc (09022015). Collection method: clinical testing. Allele origin: germline.

Ambry Genetics
Classification: Likely benign for Hereditary cancer-predisposing syndrome. Last evaluated: 2024-02-12. Review status: criteria provided, single submitter. Criteria: Ambry Variant Classification Scheme 2023. Collection method: clinical testing. Allele origin: germline.